The following is an entry in ClinVar:

NM_198576.4(AGRN):c.738C>T (p.Asp246=)

Gene: AGRN (agrin; plus strand). Cytogenetic location: 1p36.33.
Variant type: single nucleotide variant.
Coding change: c.738C>T on transcript NM_198576.4 (MANE Select); coding-DNA position 738, C replaced by T.
Protein change: p.Asp246=; no amino-acid change (aspartic acid 246 retained).
Molecular consequence: synonymous variant.
Genome position (GRCh38, 1-based): chr1:1,041,183, C>T. VCF-style: chr1-1041183-C-T. GRCh37 (hg19) VCF-style: chr1-976563-C-T.
Other names: p.Asp246=; c.738C>T, p.Asp246= (NM_001305275.2); c.423C>T, p.Asp141= (NM_001364727.2).
Identifiers: ClinVar variation 263203 (VCV000263203.18), dbSNP rs536085218, ClinGen allele CA507913.
Genomic context (GRCh38, chr1:1,041,183, plus strand): 5'-GGGAGCGGGGGCGGGGGCGGCCCGTCTGACCGGCAAAGCCCCGCCCGCAGGCTCGCGGGA[C>T]CCCTGCTCCAACGTGACCTGCAGCTTCGGCAGCACCTGTGCGCGCTCGGCCGACGGGCTG-3'
Protein context (NP_940978.2, residues 236-256): LLSRGPCGSR[Asp246=]PCSNVTCSFG

ClinVar aggregate classification (germline): Benign/Likely benign. Review status: criteria provided, multiple submitters, no conflicts (2 of 4 stars). 7 submissions from 7 submitters: Benign (1); Likely benign (6). Last evaluated 2026-01-26.

Conditions:
Congenital myasthenic syndrome 8. Also called: Myasthenic syndrome, congenital, 8, with pre- and postsynaptic defects; MYASTHENIC SYNDROME, CONGENITAL, DUE TO AGRIN DEFICIENCY. Identifiers: Orphanet 590, MedGen C3808739, MONDO:0014052, OMIM 615120.

Allele frequency attached by ClinVar (database versions not stated): gnomAD exomes 0.00075; ExAC 0.00135; gnomAD 0.00764 and 0.00811; 1000 Genomes Project 30x 0.00968; 1000 Genomes Project 0.00978; TOPMed 0.01007.
gnomAD v4.1: 1,509 of 1,438,034 alleles (0.1%); highest among the groups gnomAD compares: African/African-American, 2%; 28 homozygotes.

Submissions (7):

Labcorp Genetics (formerly Invitae), Labcorp
Classification: Likely benign for Congenital myasthenic syndrome 8. Last evaluated: 2026-01-26. Review status: criteria provided, single submitter. Criteria: Invitae Variant Classification Sherloc (09022015). Collection method: clinical testing. Allele origin: germline.

Mayo Clinic Laboratories, Mayo Clinic
Classification: Likely benign. Last evaluated: 2025-03-25. Review status: criteria provided, single submitter. Criteria: ACMG Guidelines, 2015. Collection method: clinical testing. Allele origin: germline. Observed: 3 variant alleles.
Comment: BS1, BS2, BP4, BP7

Blueprint Genetics
Classification: Likely benign. Last evaluated: 2024-11-14. Review status: criteria provided, single submitter. Criteria: ACMG Guidelines, 2015. Collection method: clinical testing. Allele origin: germline.

Fulgent Genetics
Classification: Likely benign for Congenital myasthenic syndrome 8. Last evaluated: 2021-12-20. Review status: criteria provided, single submitter. Criteria: ACMG Guidelines, 2015. Collection method: clinical testing. Allele origin: unknown.

GeneDx
Classification: Likely benign. Last evaluated: 2020-12-14. Review status: criteria provided, single submitter. Criteria: GeneDx Variant Classification Process June 2021. Collection method: clinical testing. Allele origin: germline. Affected: yes.

Breakthrough Genomics
Classification: Likely benign. Review status: criteria provided, single submitter. Criteria: ACMG Guidelines, 2015. Collection method: not provided. Allele origin: germline. Inheritance: Autosomal recessive inheritance. Affected: yes.

PreventionGenetics, part of Exact Sciences
Classification: Benign. Review status: criteria provided, single submitter. Criteria: ACMG Guidelines, 2015. Collection method: clinical testing. Allele origin: germline.